The following is an entry in ClinVar:

NM_018136.5(ASPM):c.752A>G (p.His251Arg)

Gene: ASPM (assembly factor for spindle microtubules; minus strand). Cytogenetic location: 1q31.3.
Variant type: single nucleotide variant.
Coding change: c.752A>G on transcript NM_018136.5 (MANE Select); coding-DNA position 752, A replaced by G.
Protein change: p.His251Arg; replaces histidine 251 with arginine.
Molecular consequence: missense variant.
Genome position (GRCh38, 1-based): chr1:197,143,500, T>C on the plus strand (A>G on the coding strand, the complement: ASPM is on the minus strand). VCF-style: chr1-197143500-T-C. GRCh37 (hg19) VCF-style: chr1-197112630-T-C.
Other names: c.752A>G, p.His251Arg (NM_001206846.2); c.752A>G (NM_018136.4); short protein forms H251R.
Identifiers: ClinVar variation 1427732 (VCV001427732.6), dbSNP rs1658668342, ClinGen allele CA344019257.

ClinVar aggregate classification (germline): Uncertain significance. Review status: criteria provided, multiple submitters, no conflicts (2 of 4 stars). 2 submissions from 2 submitters: Uncertain significance (2). Last evaluated 2025-06-29.

Conditions:
Inborn genetic diseases. Identifiers: MedGen C0950123, MeSH D030342.

Allele frequency attached by ClinVar (database versions not stated): gnomAD exomes below 0.00001.

Submissions (2):

Ambry Genetics
Classification: Uncertain significance for Inborn genetic diseases. Last evaluated: 2025-06-29. Review status: criteria provided, single submitter. Criteria: Ambry Variant Classification Scheme 2023. Collection method: clinical testing. Allele origin: germline.

Labcorp Genetics (formerly Invitae), Labcorp
Classification: Uncertain significance. Last evaluated: 2021-09-01. Review status: criteria provided, single submitter. Criteria: Invitae Variant Classification Sherloc (09022015). Collection method: clinical testing. Allele origin: germline.
Comment: This sequence change replaces histidine with arginine at codon 251 of the ASPM protein (p.His251Arg). The histidine residue is moderately conserved and there is a small physicochemical difference between histidine and arginine. This variant is not present in population databases (ExAC no frequency). This variant has not been reported in the literature in individuals affected with ASPM-related conditions. Algorithms developed to predict the effect of missense changes on protein structure and function output the following: SIFT: "Tolerated"; PolyPhen-2: "Benign"; Align-GVGD: "Class C0". The arginine amino acid residue is found in multiple mammalian species, which suggests that this missense change does not adversely affect protein function. In summary, the available evidence is currently insufficient to determine the role of this variant in disease. Therefore, it has been classified as a Variant of Uncertain Significance.